The following is an entry in ClinVar:

ClinVar aggregate classification (germline): Likely benign (1 of 4 stars; one submission).

Allele frequency attached by ClinVar (database versions not stated): 1000 Genomes Project 30x 0.00047; 1000 Genomes Project 0.00060; ESP Exome Variant Server 0.00147.
gnomAD v4.1: 3,149 of 1,603,142 alleles (0.2%); highest among the groups gnomAD compares: Non-Finnish European, 0.25%; 3 homozygotes.

Submission:

CeGaT Center for Human Genetics Tuebingen
Classification: Likely benign. Last evaluated: 2022-12-01. Review status: criteria provided, single submitter. Criteria: CeGaT Center For Human Genetics Tuebingen Variant Classification Criteria Version 2. Collection method: clinical testing. Allele origin: germline. Affected: yes. Observed: 1 variant allele.
Comment: WDR90: BP4, BP7

NM_145294.5(WDR90):c.1594C>A (p.Arg532=)

Gene: WDR90 (WD repeat domain 90; plus strand). Cytogenetic location: 16p13.3.
Variant type: single nucleotide variant.
Coding change: c.1594C>A on transcript NM_145294.5 (MANE Select); coding-DNA position 1594, C replaced by A.
Protein change: p.Arg532=; no amino-acid change (arginine 532 retained).
Molecular consequence: synonymous variant.
Genome position (GRCh38, 1-based): chr16:655,344, C>A. VCF-style: chr16-655344-C-A. GRCh37 (hg19) VCF-style: chr16-705344-C-A.
Identifiers: ClinVar variation 2645838 (VCV002645838.24), dbSNP rs144704309, ClinGen allele CA7783037.